The following is an entry in ClinVar:

NM_000059.4(BRCA2):c.5724A>G (p.Leu1908=)

Gene: BRCA2 (BRCA2 DNA repair associated; plus strand). Cytogenetic location: 13q13.1.
Variant type: single nucleotide variant.
Coding change: c.5724A>G on transcript NM_000059.4 (MANE Select); coding-DNA position 5724, A replaced by G.
Protein change: p.Leu1908=; no amino-acid change (leucine 1908 retained).
Molecular consequence: synonymous variant.
Genome position (GRCh38, 1-based): chr13:32,340,079, A>G. VCF-style: chr13-32340079-A-G. GRCh37 (hg19) VCF-style: chr13-32914216-A-G.
Identifiers: ClinVar variation 230374 (VCV000230374.21), dbSNP rs876658533, ClinGen allele CA10579667.
Genomic context (GRCh38, chr13:32,340,079, plus strand): 5'-AATTATGGCAGGTTGTTACGAGGCATTGGATGATTCAGAGGATATTCTTCATAACTCTCT[A>G]GATAATGATGAATGTAGCACGCATTCACATAAGGTTTTTGCTGACATTCAGAGTGAAGAA-3'
Protein context (NP_000050.3, residues 1898-1918): DDSEDILHNS[Leu1908=]DNDECSTHSH

ClinVar aggregate classification (germline): Likely benign. Review status: reviewed by expert panel (3 of 4 stars). 7 submissions from 7 submitters: Likely benign (1). 6 of the submissions do not count toward it. Last evaluated 2017-06-29.

Conditions:
BRCA2-related cancer predisposition. Identifiers: MedGen CN377758, MONDO:0700269.
Hereditary cancer-predisposing syndrome. Also called: Hereditary Cancer Syndrome; Neoplastic Syndromes, Hereditary; Tumor predisposition; Hereditary neoplastic syndrome. Identifiers: Orphanet 140162, MedGen C0027672, MeSH D009386, MONDO:0015356.
Breast-ovarian cancer, familial, susceptibility to, 2 (BROVCA2). Also called: BRCA2 Hereditary Breast and Ovarian Cancer. Identifiers: Orphanet 145, MedGen C2675520, MONDO:0012933, OMIM 612555. Disease mechanism: loss of function.
Hereditary breast ovarian cancer syndrome. Also called: Hereditary breast and/or ovarian cancer syndrome; BRCA1- and BRCA2-Associated Hereditary Breast and Ovarian Cancer; Hereditary breast and ovarian cancer syndrome (HBOC); Hereditary breast and ovarian cancer; Hereditary breast and ovarian cancer syndrome; Breast and ovarian cancer. Identifiers: Orphanet 145, MedGen C0677776, MeSH D061325, MONDO:0003582. Disease mechanism: loss of function.

Allele frequency attached by ClinVar (database versions not stated): TOPMed below 0.00001; gnomAD 0.00001; gnomAD exomes below 0.00001.
gnomAD v4.1: 3 of 1,613,796 alleles (0.00019%); highest among the groups gnomAD compares: Admixed American, 0.0017%; no homozygotes.

Submissions (7):

Evidence-based Network for the Interpretation of Germline Mutant Alleles (ENIGMA)
Classification: Likely benign for Breast-ovarian cancer, familial, susceptibility to, 2. Last evaluated: 2017-06-29. Review status: reviewed by expert panel. Criteria: ENIGMA BRCA1/2 Classification Criteria (2017-06-29). Collection method: curation. Allele origin: germline.
Comment: Synonymous substitution variant, with low bioinformatic likelihood to result in a splicing aberration (Splicing prior probability 0.02).

Labcorp Genetics (formerly Invitae), Labcorp
Classification: Likely benign for Hereditary breast ovarian cancer syndrome. Last evaluated: 2025-09-28. Review status: criteria provided, single submitter. Criteria: Invitae Variant Classification Sherloc (09022015). Collection method: clinical testing. Allele origin: germline. Not counted in ClinVar's aggregate classification.

All of Us Research Program, National Institutes of Health
Classification: Likely benign for BRCA2-related cancer predisposition. Last evaluated: 2024-08-06. Review status: criteria provided, single submitter. Criteria: ACMG Guidelines, 2015. Collection method: clinical testing. Allele origin: germline. Inheritance: Autosomal dominant inheritance. Observed: 1 variant allele, 1 heterozygote. Not counted in ClinVar's aggregate classification.
Comment: This study involves interpretation of variants in research participants for the purpose of population health screening. Participant phenotype was not available at the time of variant classification. Additional details can be found in publication PMID: 35346344, PMCID: PMC8962531

Quest Diagnostics Nichols Institute San Juan Capistrano
Classification: Likely benign. Last evaluated: 2023-05-16. Review status: criteria provided, single submitter. Criteria: Quest Diagnostics criteria. Collection method: clinical testing. Allele origin: unknown. Not counted in ClinVar's aggregate classification.

GeneDx
Classification: Likely benign. Last evaluated: 2017-10-05. Review status: criteria provided, single submitter. Criteria: GeneDx Variant Classification (06012015). Collection method: clinical testing. Allele origin: germline. Affected: yes. Not counted in ClinVar's aggregate classification.
Comment: This variant is considered likely benign or benign based on one or more of the following criteria: it is a conservative change, it occurs at a poorly conserved position in the protein, it is predicted to be benign by multiple in silico algorithms, and/or has population frequency not consistent with disease.

Color Diagnostics, LLC DBA Color Health
Classification: Likely benign for Hereditary cancer-predisposing syndrome. Last evaluated: 2017-08-20. Review status: criteria provided, single submitter. Criteria: ACMG Guidelines, 2015. Collection method: clinical testing. Allele origin: germline. Not counted in ClinVar's aggregate classification.

Ambry Genetics
Classification: Likely benign for Hereditary cancer-predisposing syndrome. Last evaluated: 2015-02-16. Review status: criteria provided, single submitter. Criteria: Ambry Variant Classification Scheme 2023. Collection method: clinical testing. Allele origin: germline. Not counted in ClinVar's aggregate classification.